The following is an entry in ClinVar:

NM_005932.4(MIPEP):c.590T>C (p.Leu197Pro)

Gene: MIPEP (mitochondrial intermediate peptidase; minus strand). Cytogenetic location: 13q12.12.
Variant type: single nucleotide variant.
Coding change: c.590T>C on transcript NM_005932.4 (MANE Select); coding-DNA position 590, T replaced by C.
Protein change: p.Leu197Pro; replaces leucine 197 with proline.
Molecular consequence: missense variant.
Genome position (GRCh38, 1-based): chr13:23,874,859, A>G on the plus strand (T>C on the coding strand, the complement: MIPEP is on the minus strand). VCF-style: chr13-23874859-A-G. GRCh37 (hg19) VCF-style: chr13-24448998-A-G.
Other names: short protein forms L197P.
Identifiers: ClinVar variation 505364 (VCV000505364.57), dbSNP rs150167906, ClinGen allele CA6913279.
Genomic context (GRCh38, chr13:23,874,859, plus strand): 5'-AATGTTAGTAAAACTGGAAGAGTCAAAAAAACAGCAGAAAGATGTACCTTTTCTTTGTCT[A>G]GATGGATTCCACTAATTTCAAAATCAAACATAAACAGTTCAGCCACTCGCCTATAAATGA-3'
Protein context (NP_005923.3, residues 187-207): MFDFEISGIH[Leu197Pro]DKEKRKRAVD

ClinVar aggregate classification (germline): Conflicting classifications of pathogenicity. Review status: criteria provided, conflicting classifications (1 of 4 stars). 7 submissions from 7 submitters: Uncertain significance (5); Benign (1); Likely benign (1). Last evaluated 2026-04-01.

Conditions:
Lethal left ventricular non-compaction-seizures-hypotonia-cataract-developmental delay syndrome. Also called: Combined oxidative phosphorylation deficiency 31. Identifiers: Orphanet 478049, MedGen C4310661, MONDO:0014976, OMIM 617228.
Inborn genetic diseases. Identifiers: MedGen C0950123, MeSH D030342.

Allele frequency attached by ClinVar (database versions not stated): 1000 Genomes Project 30x 0.00016; 1000 Genomes Project 0.00020; ExAC 0.00071; gnomAD exomes 0.00072 and 0.00151; gnomAD 0.00080 and 0.00082; TOPMed 0.00090; ESP Exome Variant Server 0.00177.
gnomAD v4.1: 2,338 of 1,599,274 alleles (0.15%); highest among the groups gnomAD compares: Non-Finnish European, 0.18%; 4 homozygotes.

Submissions (7):

CeGaT Center for Human Genetics Tuebingen
Classification: Benign. Last evaluated: 2026-04-01. Review status: criteria provided, single submitter. Criteria: CeGaT Center For Human Genetics Tuebingen Variant Classification Criteria Version 2. Collection method: clinical testing. Allele origin: germline. Affected: yes. Observed: 4 variant alleles.
Comment: MIPEP: BS1, BS2

GeneDx
Classification: Uncertain significance. Last evaluated: 2025-10-02. Review status: criteria provided, single submitter. Criteria: GeneDx Variant Classification Process June 2021. Collection method: clinical testing. Allele origin: germline. Affected: yes.
Comment: Reported with a variant on the opposite allele (in trans) in a patient with dilated cardiomyopathy, atelectasis, broad nasal tip, and anteverted nares in the published literature, but this patient also harbored variants in the NKX2-5 and HCN4 genes (PMID: 33587123); Reported as a candidate variant in two individuals with lung cancer, however evidence in support of pathogenicity for this variant was not provided in the report (PMID: 26762739); In silico analysis supports that this missense variant has a deleterious effect on protein structure/function; Identified via genome sequencing in a hospitalized infant with a suspected genetic disorder, but no other phenotypic information was provided (PMID: 37432431); This variant is associated with the following publications: (PMID: 26762739, 33587123, 37432431)

Women's Health and Genetics/Laboratory Corporation of America, LabCorp
Classification: Uncertain significance. Last evaluated: 2024-05-02. Review status: criteria provided, single submitter. Criteria: LabCorp Variant Classification Summary - May 2015. Collection method: clinical testing. Allele origin: germline.
Comment: Variant summary: MIPEP c.590T>C (p.Leu197Pro) results in a non-conservative amino acid change in the encoded protein sequence. Four of five in-silico tools predict a damaging effect of the variant on protein function. The variant allele was found at a frequency of 0.00072 in 236292 control chromosomes. c.590T>C has been reported in the literature in at least one compound heterozygous infant affected with clinical features that include atrial septal defect, atrioventricular conduction defects, bradycardia, cardiomyopathy, combined oxidative phosphorylation deficiency-31 who also carried an additional HCN4 variant of uncertain significance (e.g. Maron_2021). This report does not provide unequivocal conclusions about association of the variant. To our knowledge, no experimental evidence demonstrating an impact on protein function has been reported. The following publication has been ascertained in the context of this evaluation (PMID: 33587123). ClinVar contains an entry for this variant (Variation ID: 505364). Based on the evidence outlined above, the variant was classified as uncertain significance.

3billion
Classification: Uncertain significance for Lethal left ventricular non-compaction-seizures-hypotonia-cataract-developmental delay syndrome. Last evaluated: 2023-02-23. Review status: criteria provided, single submitter. Criteria: ACMG Guidelines, 2015. Collection method: clinical testing. Allele origin: unknown. Affected: yes.
Comment: The variant is observed at an extremely low frequency in the gnomAD v2.1.1 dataset (total allele frequency: 0.071%). In silico tool predictions suggest damaging effect of the variant on gene or gene product (REVEL: 0.73; 3Cnet: 0.72). Therefore, this variant is classified as VUS according to the recommendation of ACMG/AMP guideline.

Labcorp Genetics (formerly Invitae), Labcorp
Classification: Uncertain significance. Last evaluated: 2022-07-06. Review status: criteria provided, single submitter. Criteria: Invitae Variant Classification Sherloc (09022015). Collection method: clinical testing. Allele origin: germline.
Comment: This sequence change replaces leucine, which is neutral and non-polar, with proline, which is neutral and non-polar, at codon 197 of the MIPEP protein (p.Leu197Pro). This variant is present in population databases (rs150167906, gnomAD 0.1%), and has an allele count higher than expected for a pathogenic variant. This missense change has been observed in individual(s) with clinical features of combined oxidative phosphorylation deficiency (PMID: 33587123). ClinVar contains an entry for this variant (Variation ID: 505364). Algorithms developed to predict the effect of missense changes on protein structure and function (SIFT, PolyPhen-2, Align-GVGD) all suggest that this variant is likely to be disruptive. Algorithms developed to predict the effect of sequence changes on RNA splicing suggest that this variant may create or strengthen a splice site. In summary, the available evidence is currently insufficient to determine the role of this variant in disease. Therefore, it has been classified as a Variant of Uncertain Significance.

Ambry Genetics
Classification: Likely benign for Inborn genetic diseases. Last evaluated: 2021-10-22. Review status: criteria provided, single submitter. Criteria: Ambry Variant Classification Scheme 2023. Collection method: clinical testing. Allele origin: germline.

Laboratory for Molecular Medicine, Mass General Brigham Personalized Medicine
Classification: Uncertain significance. Last evaluated: 2016-11-05. Review status: criteria provided, single submitter. Criteria: LMM Criteria. Collection method: clinical testing. Allele origin: germline. Observed: 2 variant alleles.
Comment: The p.Leu197Pro variant has not been previously associated with disease, though it was identified in 2 Chinese individuals in a lung cancer GWAS study (Liu 201 6). This variant has also been identified in 0.1% (76/66366) of European chromos omes by the Exome Aggregation Consortium (ExAC; dbSNP rs150167906). Computational prediction tools and conservation analysis sug gest that the variant would impact the protein, though this information is not p redictive enough to determine pathogenicity. Additionally, currently there are n o known disease associations to the MIPEP gene. In summary, the clinical signifi cance of the p.Leu197Pro variant is uncertain.

Literature cited by the submitters: PubMed 33587123 (cited by Women's Health and Genetics/Laboratory Corporation of America, LabCorp and Labcorp Genetics (formerly Invitae), Labcorp); PubMed 26762739 (cited by Laboratory for Molecular Medicine, Mass General Brigham Personalized Medicine).